The following is an entry in ClinVar:

ClinVar aggregate classification (germline): Conflicting classifications of pathogenicity. Review status: criteria provided, conflicting classifications (1 of 4 stars). 5 submissions from 5 submitters: Uncertain significance (1); Benign (1); Likely benign (3). Last evaluated 2026-01-25.

Conditions:
MEGF10-related myopathy (CMYO10A). Also called: Congenital myopathy 10A, severe variant. Identifiers: Orphanet 439212, MedGen C3280679, MONDO:0013731, OMIM 614399.

Allele frequency attached by ClinVar (database versions not stated): gnomAD 0.00116 and 0.00122; gnomAD exomes 0.00120; TOPMed 0.00123; ExAC 0.00130; 1000 Genomes Project 0.00160; ESP Exome Variant Server 0.00169; 1000 Genomes Project 30x 0.00250.
gnomAD v4.1: 3,145 of 1,613,786 alleles (0.19%); highest among the groups gnomAD compares: Non-Finnish European, 0.24%; 7 homozygotes.

Submissions (5):

Labcorp Genetics (formerly Invitae), Labcorp
Classification: Benign for MEGF10-related myopathy. Last evaluated: 2026-01-25. Review status: criteria provided, single submitter. Criteria: Invitae Variant Classification Sherloc (09022015). Collection method: clinical testing. Allele origin: germline.

CeGaT Center for Human Genetics Tuebingen
Classification: Likely benign. Last evaluated: 2025-09-01. Review status: criteria provided, single submitter. Criteria: CeGaT Center For Human Genetics Tuebingen Variant Classification Criteria Version 2. Collection method: clinical testing. Allele origin: germline. Affected: yes. Observed: 7 variant alleles.
Comment: MEGF10: BP4, BP7

Blueprint Genetics
Classification: Likely benign. Last evaluated: 2024-11-23. Review status: criteria provided, single submitter. Criteria: ACMG Guidelines, 2015. Collection method: clinical testing. Allele origin: germline.

GeneDx
Classification: Likely benign. Last evaluated: 2019-07-05. Review status: criteria provided, single submitter. Criteria: GeneDx Variant Classification Process June 2021. Collection method: clinical testing. Allele origin: germline. Affected: yes.

Illumina Laboratory Services, Illumina
Classification: Uncertain significance for MEGF10-related myopathy. Last evaluated: 2018-01-13. Review status: criteria provided, single submitter. Criteria: ICSL Variant Classification Criteria 13 December 2019. Collection method: clinical testing. Allele origin: germline.

NM_001256545.2(MEGF10):c.1602C>T (p.Tyr534=)

Gene: MEGF10 (multiple EGF like domains 10; plus strand). Cytogenetic location: 5q23.2.
Variant type: single nucleotide variant.
Coding change: c.1602C>T on transcript NM_001256545.2 (MANE Select); coding-DNA position 1602, C replaced by T.
Protein change: p.Tyr534=; no amino-acid change (tyrosine 534 retained).
Molecular consequence: synonymous variant.
Genome position (GRCh38, 1-based): chr5:127,422,681, C>T. VCF-style: chr5-127422681-C-T. GRCh37 (hg19) VCF-style: chr5-126758373-C-T.
Other names: c.1602C>T, p.Tyr534= (NM_001308119.2, NM_001308121.2, NM_032446.3).
Identifiers: ClinVar variation 350652 (VCV000350652.49), dbSNP rs114704569, ClinGen allele CA3391644.